The following is an entry in ClinVar:

NM_001394062.1(MACF1):c.21716G>T (p.Arg7239Met)

Gene: MACF1 (microtubule actin crosslinking factor 1; plus strand). Cytogenetic location: 1p34.3.
Variant type: single nucleotide variant.
Coding change: c.21716G>T on transcript NM_001394062.1 (MANE Select); coding-DNA position 21716, G replaced by T.
Protein change: p.Arg7239Met; replaces arginine 7239 with methionine.
Molecular consequence: missense variant.
Genome position (GRCh38, 1-based): chr1:39,463,649, G>T. VCF-style: chr1-39463649-G-T. GRCh37 (hg19) VCF-style: chr1-39929321-G-T.
Other names: c.9794G>T, p.Arg3265Met (NM_001397473.1); c.15539G>T, p.Arg5180Met (NM_012090.5); short protein forms R3265M, R7239M, R5180M.
Identifiers: ClinVar variation 2090200 (VCV002090200.5), dbSNP rs2523351633, ClinGen allele CA339774846.
Genomic context (GRCh38, chr1:39,463,649, plus strand): 5'-TCCTTTTTGTTCACACCCAATAGGTTACAAGACAAGTGGCTCAGTGCAAATGTGCAAAAA[G>T]GTTTCAGGTGGAGCAGATCGGAGAGAATAAATACCGGGTAAGGAAGAGAAAAAGCAGTCC-3'
Protein context (NP_001380991.1, residues 7229-7249): RQVAQCKCAK[Arg7239Met]FQVEQIGENK

ClinVar aggregate classification (germline): Uncertain significance. Review status: criteria provided, multiple submitters, no conflicts (2 of 4 stars). 2 submissions from 2 submitters: Uncertain significance (2). Last evaluated 2025-07-08.

Submissions (2):

GeneDx
Classification: Uncertain significance. Last evaluated: 2025-07-08. Review status: criteria provided, single submitter. Criteria: GeneDx Variant Classification Process June 2021. Collection method: clinical testing. Allele origin: germline. Affected: yes.
Comment: De novo variant with confirmed parentage in a patient from a cohort of individuals with orofacial clefts in the published literature (PMID: 32574564); Not observed at significant frequency in large population cohorts (gnomAD); In silico analysis supports that this missense variant has a deleterious effect on protein structure/function; This variant is associated with the following publications: (PMID: 32574564)

Labcorp Genetics (formerly Invitae), Labcorp
Classification: Uncertain significance. Last evaluated: 2022-09-06. Review status: criteria provided, single submitter. Criteria: Invitae Variant Classification Sherloc (09022015). Collection method: clinical testing. Allele origin: germline.
Comment: Algorithms developed to predict the effect of missense changes on protein structure and function are either unavailable or do not agree on the potential impact of this missense change (SIFT: "Deleterious"; PolyPhen-2: "Probably Damaging"; Align-GVGD: "Class C0"). This variant has not been reported in the literature in individuals affected with MACF1-related conditions. This variant is not present in population databases (gnomAD no frequency). This sequence change replaces arginine, which is basic and polar, with methionine, which is neutral and non-polar, at codon 5180 of the MACF1 protein (p.Arg5180Met). In summary, the available evidence is currently insufficient to determine the role of this variant in disease. Therefore, it has been classified as a Variant of Uncertain Significance.